The following is an entry in ClinVar:

NM_001482.3(GATM):c.1037C>T (p.Pro346Leu)

Gene: GATM (glycine amidinotransferase; minus strand). Cytogenetic location: 15q21.1.
Variant type: single nucleotide variant.
Coding change: c.1037C>T on transcript NM_001482.3 (MANE Select); coding-DNA position 1037, C replaced by T.
Protein change: p.Pro346Leu; replaces proline 346 with leucine.
Molecular consequence: missense variant.
Genome position (GRCh38, 1-based): chr15:45,364,802, G>A on the plus strand (C>T on the coding strand, the complement: GATM is on the minus strand). VCF-style: chr15-45364802-G-A. GRCh37 (hg19) VCF-style: chr15-45657000-G-A.
Other names: NM_001482.3(GATM):c.1037C>T; p.Pro346Leu; c.650C>T, p.Pro217Leu (NM_001321015.2); short protein forms P346L, P217L.
Identifiers: ClinVar variation 225920 (VCV000225920.8), dbSNP rs142814307, ClinGen allele CA270166553.

ClinVar aggregate classification (germline): Uncertain significance. Review status: reviewed by expert panel (3 of 4 stars). 3 submissions from 3 submitters: Uncertain significance (1). 2 of the submissions do not count toward it. Last evaluated 2025-04-11.

Conditions:
Arginine:glycine amidinotransferase deficiency (CCDS3). Also called: L-Arginine:Glycine Amidinotransferase Deficiency; Cerebral creatine deficiency syndrome 3; L-Arginine:Glycine Amidinotransferase (AGAT) Deficiency; AGAT deficiency; Creatine deficiency syndrome due to AGAT deficiency; GATM deficiency. Identifiers: Orphanet 35704, MedGen C2675179, MONDO:0012996, OMIM 612718.

Allele frequency attached by ClinVar (database versions not stated): gnomAD exomes below 0.00001; gnomAD 0.00001; ESP Exome Variant Server 0.00008.

Submissions (4):

ClinGen Cerebral Creatine Deficiency Syndromes Variant Curation Expert Panel, ClinGen
Classification: Uncertain significance for Arginine:glycine amidinotransferase deficiency. Last evaluated: 2025-04-11. Review status: reviewed by expert panel. Criteria: ClinGen CCDS ACMG Specifications GATM V2.0.0. Collection method: curation. Allele origin: germline. Inheritance: Autosomal recessive inheritance.
Comment: The NM_001482.3:c.1037C>T variant in GATM is a missense variant predicted to cause substitution of proline by leucine at amino acid 346 (p.Pro346Leu). To our knowledge, this variant has not been reported in the literature in any individuals with AGAT deficiency. The highest population minor allele frequency in gnomAD v4.1.0. is 0.000002545 (3/1178764 alleles) in the non-Finnish European population, which is lower than the ClinGen CCDS VCEP’s threshold for PM2_Supporting (<0.000055), meeting this criterion (PM2_Supporting). Expression of the variant in HeLa cells resulted in <10% wild type AGAT activity indicating that this variant may impact protein function (PMID 27233232)(PS3_Supporting). The computational predictor REVEL gives a score of 0.237 which is below the threshold of 0.29, evidence that does not predict a damaging effect on AGAT function (PMID: 36413997), and SpliceAI predicts that the variant has no impact on splicing (BP4). In summary, this variant meets the criteria to be classified as uncertain significance for AGAT deficiency based on the ACMG/AMP criteria applied, as specified by the ClinGen Cerebral Creatine Deficiency Syndromes Variant Curation Expert Panel (Specifications Version 2.0.0): PM2_Supporting, PS3_Supporting, BP4. (Classification approved by the ClinGen CCDS VCEP on April 11, 2025).

Women's Health and Genetics/Laboratory Corporation of America, LabCorp
Classification: Uncertain significance. Last evaluated: 2025-04-04. Review status: criteria provided, single submitter. Criteria: LabCorp Variant Classification Summary - May 2015. Collection method: clinical testing. Allele origin: germline. Not counted in ClinVar's aggregate classification.
Comment: Variant summary: GATM c.1037C>T (p.Pro346Leu) results in a non-conservative amino acid change in the encoded protein sequence. Three of five in-silico tools predict a damaging effect of the variant on protein function. The variant allele was found at a frequency of 4e-06 in 251396 control chromosomes (gnomAD). The available data on variant occurrences in the general population are insufficient to allow any conclusion about variant significance. To our knowledge, no occurrence of c.1037C>T in individuals affected with Arginine:glycine Amidinotransferase Deficiency has been reported. At least one publication reports experimental evidence evaluating an impact on protein function and this variant affected the GATM protein function (DesRoches_2016). The following publication have been ascertained in the context of this evaluation (PMID: 27233232). ClinVar contains an entry for this variant (Variation ID: 225920). Based on the evidence outlined above, the variant was classified as uncertain significance.

Labcorp Genetics (formerly Invitae), Labcorp
Classification: Uncertain significance for Arginine:glycine amidinotransferase deficiency. Last evaluated: 2025-03-12. Review status: criteria provided, single submitter. Criteria: Invitae Variant Classification Sherloc (09022015). Collection method: clinical testing. Allele origin: germline. Not counted in ClinVar's aggregate classification.
Comment: This sequence change replaces proline, which is neutral and non-polar, with leucine, which is neutral and non-polar, at codon 346 of the GATM protein (p.Pro346Leu). This variant is present in population databases (rs142814307, gnomAD 0.0009%). This variant has not been reported in the literature in individuals affected with GATM-related conditions. ClinVar contains an entry for this variant (Variation ID: 225920). Invitae Evidence Modeling of protein sequence and biophysical properties (such as structural, functional, and spatial information, amino acid conservation, physicochemical variation, residue mobility, and thermodynamic stability) has been performed for this missense variant. However, the output from this modeling did not meet the statistical confidence thresholds required to predict the impact of this variant on GATM protein function. Experimental studies have shown that this missense change affects GATM function (PMID: 27233232). In summary, the available evidence is currently insufficient to determine the role of this variant in disease. Therefore, it has been classified as a Variant of Uncertain Significance.

Hospital for Sick Children
No classification provided (evidence only). Review status: no classification provided. Collection method: in vitro. Allele origin: not applicable. Functional consequence: variation affecting protein function. Not counted in ClinVar's aggregate classification.
ClinVar note: "not provided" was previously submitted as the classification for the variant. However, the classification appeared to be based only on an observation of functional data so it was converted to no classification on 2025-07-30.

Literature cited by the submitters: PubMed 27233232 (cited by 4 submitters).